The following is an entry in ClinVar:

ClinVar aggregate classification (germline): Benign/Likely benign. Review status: criteria provided, multiple submitters, no conflicts (2 of 4 stars). 7 submissions from 7 submitters: Benign (4); Likely benign (2). 1 of the submissions does not count toward it. Last evaluated 2026-02-03.

Conditions:
Epilepsy, childhood absence 4 (ECA4). Also called: EPILEPSY, CHILDHOOD ABSENCE, SUSCEPTIBILITY TO, 4. Identifiers: Orphanet 307, MedGen C1970160.
Idiopathic generalized epilepsy. Also called: Generalised epilepsy; EIG. Identifiers: MedGen C0270850, MONDO:0005579, OMIM 600669.
Epilepsy, idiopathic generalized, susceptibility to, 13. Also called: EPILEPSY, JUVENILE MYOCLONIC, SUSCEPTIBILITY TO, 5. Identifiers: Orphanet 307, Orphanet 64280, MedGen C4013473, MONDO:0012627, OMIM 611136.

Allele frequency attached by ClinVar (database versions not stated): TOPMed 0.05718; 1000 Genomes Project 0.07089; 1000 Genomes Project 30x 0.06902; ExAC 0.07363; ESP Exome Variant Server 0.05136.
gnomAD v4.1: 99,210 of 1,610,000 alleles (6.2%); highest among the groups gnomAD compares: Middle Eastern, 13%; 3,551 homozygotes.

Submissions (7):

Labcorp Genetics (formerly Invitae), Labcorp
Classification: Benign for Epilepsy, childhood absence 4; Epilepsy, idiopathic generalized, susceptibility to, 13; Idiopathic generalized epilepsy. Last evaluated: 2026-02-03. Review status: criteria provided, single submitter. Criteria: Invitae Variant Classification Sherloc (09022015). Collection method: clinical testing. Allele origin: germline.

Mayo Clinic Laboratories, Mayo Clinic
Classification: Benign. Last evaluated: 2018-04-10. Review status: criteria provided, single submitter. Criteria: ACMG Guidelines, 2015. Collection method: clinical testing. Allele origin: germline. Observed: 105 variant alleles.

Illumina Laboratory Services, Illumina
Classification: Likely benign for Epilepsy, idiopathic generalized, susceptibility to, 13. Last evaluated: 2018-01-13. Review status: criteria provided, single submitter. Criteria: ICSL Variant Classification Criteria 13 December 2019. Collection method: clinical testing. Allele origin: germline.
Comment: This variant was observed in the ICSL laboratory as part of a predisposition screen in an ostensibly healthy population. It had not been previously curated by ICSL or reported in the Human Gene Mutation Database (HGMD: prior to June 1st, 2018), and was therefore a candidate for classification through an automated scoring system. Utilizing variant allele frequency, disease prevalence and penetrance estimates, and inheritance mode, an automated score was calculated to assess if this variant is too frequent to cause the disease. Based on the score and internal cut-off values, a variant classified as likely benign is not then subjected to further curation. The score for this variant resulted in a classification of likely benign for this disease.

GeneDx
Classification: Benign. Last evaluated: 2015-03-03. Review status: criteria provided, single submitter. Criteria: GeneDx Variant Classification Process June 2021. Collection method: clinical testing. Allele origin: germline. Affected: yes.

Breakthrough Genomics
Classification: Likely benign. Review status: criteria provided, single submitter. Criteria: ACMG Guidelines, 2015. Collection method: not provided. Allele origin: germline. Inheritance: Autosomal dominant inheritance. Affected: yes.

PreventionGenetics, part of Exact Sciences
Classification: Benign. Review status: criteria provided, single submitter. Criteria: ACMG Guidelines, 2015. Collection method: clinical testing. Allele origin: germline.

Genetic Services Laboratory, University of Chicago
Classification: Likely benign for AllHighlyPenetrant. Review status: no assertion criteria provided. Collection method: clinical testing. Allele origin: germline. Inheritance: Autosomal dominant inheritance. Not counted in ClinVar's aggregate classification.
Comment: Likely benign based on allele frequency in 1000 Genomes Project or ESP global frequency and its presence in a patient with a rare or unrelated disease phenotype. NOT Sanger confirmed.

NM_001127644.2(GABRA1):c.74+9A>T

Gene: GABRA1 (gamma-aminobutyric acid type A receptor subunit alpha1; plus strand). Cytogenetic location: 5q34.
Variant type: single nucleotide variant.
Coding change: c.74+9A>T on transcript NM_001127644.2 (MANE Select); 9 bases into the intron after coding-DNA position 74, A replaced by T.
Molecular consequence: intron variant.
Genome position (GRCh38, 1-based): chr5:161,850,893, A>T. VCF-style: chr5-161850893-A-T. GRCh37 (hg19) VCF-style: chr5-161277899-A-T.
Other names: p.?; c.74+9A>T (NM_000806.5, NM_001127643.2, NM_001127645.2 and 1 more transcripts).
Identifiers: ClinVar variation 129124 (VCV000129124.23), dbSNP rs41275339, ClinGen allele CA152925.